The following is an entry in ClinVar:

NM_058004.4(PI4KA):c.5390+38G>A

Gene: PI4KA (phosphatidylinositol 4-kinase alpha; minus strand). Cytogenetic location: 22q11.21.
Variant type: single nucleotide variant.
Coding change: c.5390+38G>A on transcript NM_058004.4 (MANE Select); 38 bases into the intron after coding-DNA position 5390, G replaced by A.
Molecular consequence: intron variant.
Genome position (GRCh38, 1-based): chr22:20,714,590, C>T on the plus strand (G>A on the coding strand, the complement: PI4KA is on the minus strand). VCF-style: chr22-20714590-C-T. GRCh37 (hg19) VCF-style: chr22-21068878-C-T.
Other names: c.5324+38G>A (NM_001362863.2); c.5297+38G>A (NM_001362862.2).
Identifiers: ClinVar variation 1236354 (VCV001236354.8), dbSNP rs2329478, ClinGen allele CA10114689.
Genomic context (GRCh38, chr22:20,714,590, plus strand): 5'-TGAAAACAACAAAAAGAATGTGGCACCCATGATGCAGCCGAGAAAAACTTCGCACGCGGA[C>T]GCGTGGAAGTGGGGGATGGGTAGGGTGAGGCGCCCACCTCTGCATCGGGGTCCCAGACTT-3'

ClinVar aggregate classification (germline): Benign. Review status: criteria provided, multiple submitters, no conflicts (2 of 4 stars). 4 submissions from 4 submitters: Benign (4). Last evaluated 2024-01-24.

Conditions:
Polymicrogyria, perisylvian, with cerebellar hypoplasia and arthrogryposis (NEDSPLB). Identifiers: MedGen C4225295, MONDO:0014679, OMIM 616531.

Allele frequency attached by ClinVar (database versions not stated): gnomAD exomes 0.37119 and 0.38804; ExAC 0.38372; gnomAD 0.40550 and 0.40758; ESP Exome Variant Server 0.41212; TOPMed 0.43218; 1000 Genomes Project 0.43970; 1000 Genomes Project 30x 0.44332.
gnomAD v4.1: 604,957 of 1,613,626 alleles (37%); highest among the groups gnomAD compares: Admixed American, 49%; 115,923 homozygotes.

Submissions (4):

Unidad de Genómica Garrahan, Hospital de Pediatría Garrahan
Classification: Benign. Last evaluated: 2024-01-24. Review status: criteria provided, single submitter. Criteria: ACMG Guidelines, 2015. Collection method: clinical testing. Allele origin: germline. Affected: no. Observed: 64 variant alleles.
Comment: This variant is classified as Benign based on local population frequency. This variant was detected in 67% of patients studied by a panel of primary immunodeficiencies. Number of patients: 64. Only high quality variants are reported.

Genome-Nilou Lab
Classification: Benign for Polymicrogyria, perisylvian, with cerebellar hypoplasia and arthrogryposis. Last evaluated: 2021-09-05. Review status: criteria provided, single submitter. Criteria: ACMG Guidelines, 2015. Collection method: clinical testing. Allele origin: germline. Affected: no.

GeneDx
Classification: Benign. Last evaluated: 2018-07-09. Review status: criteria provided, single submitter. Criteria: GeneDx Variant Classification Process June 2021. Collection method: clinical testing. Allele origin: germline. Affected: yes.

Breakthrough Genomics
Classification: Benign. Review status: criteria provided, single submitter. Criteria: ACMG Guidelines, 2015. Collection method: not provided. Allele origin: germline. Inheritance: Autosomal recessive inheritance. Affected: yes.